The following is an entry in ClinVar:

NM_020631.6(PLEKHG5):c.571C>T (p.Arg191Trp)

Gene: PLEKHG5 (pleckstrin homology and RhoGEF domain containing G5; minus strand). Cytogenetic location: 1p36.31.
Variant type: single nucleotide variant.
Coding change: c.571C>T on transcript NM_020631.6 (MANE Select); coding-DNA position 571, C replaced by T.
Protein change: p.Arg191Trp; replaces arginine 191 with tryptophan.
Molecular consequence: missense variant.
Genome position (GRCh38, 1-based): chr1:6,474,033, G>A on the plus strand (C>T on the coding strand, the complement: PLEKHG5 is on the minus strand). VCF-style: chr1-6474033-G-A. GRCh37 (hg19) VCF-style: chr1-6534093-G-A.
Other names: c.682C>T, p.Arg228Trp (NM_001042663.3, NM_001265592.2); c.571C>T, p.Arg191Trp (NM_001042664.2, NM_001042665.2, NM_001265594.3 and 1 more transcripts); c.778C>T, p.Arg260Trp (NM_001265593.2); short protein forms R191W, R260W, R228W.
Identifiers: ClinVar variation 297969 (VCV000297969.15), dbSNP rs183712624, ClinGen allele CA561804.

ClinVar aggregate classification (germline): Uncertain significance. Review status: criteria provided, multiple submitters, no conflicts (2 of 4 stars). 4 submissions from 4 submitters: Uncertain significance (4). Last evaluated 2024-11-28.

Conditions:
Charcot-Marie-Tooth disease recessive intermediate C. Also called: CHARCOT-MARIE-TOOTH NEUROPATHY, RECESSIVE INTERMEDIATE C. Identifiers: Orphanet 369867, MedGen C3809309, MONDO:0014154, OMIM 615376.
Neuronopathy, distal hereditary motor, autosomal recessive 4. Also called: Autosomal recessive lower motor neuron disease with childhood onset; NEUROPATHY, DISTAL HEREDITARY MOTOR, AUTOSOMAL RECESSIVE 4. Identifiers: Orphanet 206580, MedGen C1970211, MONDO:0012608, OMIM 611067.
Inborn genetic diseases. Identifiers: MedGen C0950123, MeSH D030342.

Allele frequency attached by ClinVar (database versions not stated): gnomAD 0.00004 and 0.00008; ExAC 0.00005; TOPMed 0.00006; 1000 Genomes Project 30x 0.00078; 1000 Genomes Project 0.00080.
gnomAD v4.1: 64 of 1,346,866 alleles (0.0048%); highest among the groups gnomAD compares: East Asian, 0.075%; no homozygotes.

Submissions (4):

Ambry Genetics
Classification: Uncertain significance for Inborn genetic diseases. Last evaluated: 2024-11-28. Review status: criteria provided, single submitter. Criteria: Ambry Variant Classification Scheme 2023. Collection method: clinical testing. Allele origin: germline.

Labcorp Genetics (formerly Invitae), Labcorp
Classification: Uncertain significance for Neuronopathy, distal hereditary motor, autosomal recessive 4; Charcot-Marie-Tooth disease recessive intermediate C. Last evaluated: 2022-08-31. Review status: criteria provided, single submitter. Criteria: Invitae Variant Classification Sherloc (09022015). Collection method: clinical testing. Allele origin: germline.
Comment: This sequence change replaces arginine, which is basic and polar, with tryptophan, which is neutral and slightly polar, at codon 191 of the PLEKHG5 protein (p.Arg191Trp). This variant is present in population databases (rs183712624, gnomAD 0.02%). This variant has not been reported in the literature in individuals affected with PLEKHG5-related conditions. ClinVar contains an entry for this variant (Variation ID: 297969). Algorithms developed to predict the effect of missense changes on protein structure and function are either unavailable or do not agree on the potential impact of this missense change (SIFT: "Deleterious"; PolyPhen-2: "Benign"; Align-GVGD: "Class C0"). In summary, the available evidence is currently insufficient to determine the role of this variant in disease. Therefore, it has been classified as a Variant of Uncertain Significance.

Kariminejad - Najmabadi Pathology & Genetics Center
Classification: Uncertain significance. Last evaluated: 2022-08-05. Review status: criteria provided, single submitter. Criteria: ACMG Guidelines, 2015. Collection method: clinical testing. Allele origin: germline. Inheritance: Autosomal recessive inheritance. Affected: yes.
Comment: PM2

Illumina Laboratory Services, Illumina
Classification: Uncertain significance for Neuronopathy, distal hereditary motor, autosomal recessive 4. Last evaluated: 2018-01-13. Review status: criteria provided, single submitter. Criteria: ICSL Variant Classification Criteria 13 December 2019. Collection method: clinical testing. Allele origin: germline.